The following is an entry in ClinVar:

NM_001374504.1(TMPRSS6):c.1655C>A (p.Ser552Ter)

Gene: TMPRSS6 (transmembrane serine protease 6; minus strand). Cytogenetic location: 22q12.3.
Variant type: single nucleotide variant.
Coding change: c.1655C>A on transcript NM_001374504.1 (MANE Select); coding-DNA position 1655, C replaced by A.
Protein change: p.Ser552Ter; replaces serine 552 with a stop codon.
Molecular consequence: nonsense.
Genome position (GRCh38, 1-based): chr22:37,070,933, G>T on the plus strand (C>A on the coding strand, the complement: TMPRSS6 is on the minus strand). VCF-style: chr22-37070933-G-T. GRCh37 (hg19) VCF-style: chr22-37466973-G-T.
Other names: p.Ser561*; c.1655C>A, p.Ser552Ter (NM_001289000.2, NM_001289001.2, NM_153609.4); short protein forms S552*.
Identifiers: ClinVar variation 3380919 (VCV003380919.5).

ClinVar aggregate classification (germline): Pathogenic. Review status: criteria provided, multiple submitters, no conflicts (2 of 4 stars). 4 submissions from 4 submitters: Pathogenic (4). Last evaluated 2025-09-10.

Conditions:
TMPRSS6-related disorder. Also called: TMPRSS6-related condition.
Iron-refractory iron deficiency anemia (IRIDA). Also called: ANEMIA, HYPOCHROMIC MICROCYTIC, WITH DEFECT IN IRON METABOLISM; IRIDA syndrome; IRON-HANDLING DISORDER, HEREDITARY; PSEUDO-IRON-DEFICIENCY ANEMIA. Identifiers: Orphanet 209981, MedGen C0085576, MONDO:0008788, OMIM 206200. Disease mechanism: loss of function.

gnomAD v4.1: 52 of 1,613,012 alleles (0.0032%); highest among the groups gnomAD compares: Middle Eastern, 0.016%; no homozygotes.

Submissions (4):

Genomic Medicine Center of Excellence, King Faisal Specialist Hospital and Research Centre
Classification: Pathogenic for Iron-refractory iron deficiency anemia. Last evaluated: 2025-09-10. Review status: criteria provided, single submitter. Criteria: ACMG Guidelines, 2015. Collection method: clinical testing. Allele origin: germline.

Mayo Clinic Laboratories, Mayo Clinic
Classification: Pathogenic. Last evaluated: 2025-08-07. Review status: criteria provided, single submitter. Criteria: ACMG Guidelines, 2015. Collection method: clinical testing. Allele origin: germline. Observed: 3 variant alleles.
Comment: PM2_moderate, PM3, PVS1

Labcorp Genetics (formerly Invitae), Labcorp
Classification: Pathogenic. Last evaluated: 2025-02-16. Review status: criteria provided, single submitter. Criteria: Invitae Variant Classification Sherloc (09022015). Collection method: clinical testing. Allele origin: germline.
Comment: This sequence change creates a premature translational stop signal (p.Ser561*) in the TMPRSS6 gene. It is expected to result in an absent or disrupted protein product. Loss-of-function variants in TMPRSS6 are known to be pathogenic (PMID: 20232450, 25156943). This variant is present in population databases (rs143441292, gnomAD 0.0009%). This premature translational stop signal has been observed in individual(s) with iron-refractory iron deficiency anemia (PMID: 20232450). ClinVar contains an entry for this variant (Variation ID: 3380919). For these reasons, this variant has been classified as Pathogenic.

Blueprint Genetics
Classification: Pathogenic for TMPRSS6-related disorders. Last evaluated: 2024-09-18. Review status: criteria provided, single submitter. Criteria: ACMG Guidelines, 2015. Collection method: clinical testing. Allele origin: germline. Affected: yes. Observed: 4 variant alleles.

Literature cited by the submitters: PubMed 20232450 (cited by Mayo Clinic Laboratories, Mayo Clinic and Labcorp Genetics (formerly Invitae), Labcorp); PubMed 23180434 (cited by Mayo Clinic Laboratories, Mayo Clinic); PubMed 33275715 (cited by Mayo Clinic Laboratories, Mayo Clinic); PubMed 25156943 (cited by Labcorp Genetics (formerly Invitae), Labcorp).